The following is an entry in ClinVar:

ClinVar aggregate classification (germline): Uncertain significance (1 of 4 stars; one submission).

Submission:

GeneDx
Classification: Uncertain significance. Last evaluated: 2022-11-03. Review status: criteria provided, single submitter. Criteria: GeneDx Variant Classification Process June 2021. Collection method: clinical testing. Allele origin: germline. Affected: yes.
Comment: Not observed at significant frequency in large population cohorts (gnomAD); In silico analysis supports that this missense variant has a deleterious effect on protein structure/function; Has not been previously published as pathogenic or benign to our knowledge

NM_017649.5(CNNM2):c.968A>G (p.Asn323Ser)

Gene: CNNM2 (cyclin and CBS domain divalent metal cation transport mediator 2; plus strand). Cytogenetic location: 10q24.32.
Variant type: single nucleotide variant.
Coding change: c.968A>G on transcript NM_017649.5 (MANE Select); coding-DNA position 968, A replaced by G.
Protein change: p.Asn323Ser; replaces asparagine 323 with serine.
Molecular consequence: missense variant.
Genome position (GRCh38, 1-based): chr10:102,919,448, A>G. VCF-style: chr10-102919448-A-G. GRCh37 (hg19) VCF-style: chr10-104679205-A-G.
Other names: c.968A>G, p.Asn323Ser (NM_199076.3, NM_199077.3); short protein forms N323S.
Identifiers: ClinVar variation 2501396 (VCV002501396.1), dbSNP rs2493375674, ClinGen allele CA377959156.